The following is an entry in ClinVar:

NM_001164277.2(SLC37A4):c.1034C>T (p.Pro345Leu)

Gene: SLC37A4 (solute carrier family 37 member 4; minus strand). Cytogenetic location: 11q23.3.
Variant type: single nucleotide variant.
Coding change: c.1034C>T on transcript NM_001164277.2 (MANE Select); coding-DNA position 1034, C replaced by T.
Protein change: p.Pro345Leu; replaces proline 345 with leucine.
Molecular consequence: missense variant.
Genome position (GRCh38, 1-based): chr11:119,025,280, G>A on the plus strand (C>T on the coding strand, the complement: SLC37A4 is on the minus strand). VCF-style: chr11-119025280-G-A. GRCh37 (hg19) VCF-style: chr11-118895990-G-A.
Other names: c.1100C>T, p.Pro367Leu (NM_001164278.2); c.815C>T, p.Pro272Leu (NM_001164279.2); c.1034C>T, p.Pro345Leu (NM_001164280.2, NM_001467.6); short protein forms P272L, P345L, P367L.
Identifiers: ClinVar variation 4765518 (VCV004765518.1).
Genomic context (GRCh38, chr11:119,025,280, plus strand): 5'-GAGGTGCCACACAAGTTGGGAGGGGCACTCTCGTTGGCTATGACTCCAAACAGGGCAATG[G>A]GGCCATACGAGGAGAAACCAAATACAGCTCCCAATACCAGGATCCAGAGCTGCCAAGGGC-3'
Protein context (NP_001157749.1, residues 335-355): GAVFGFSSYG[Pro345Leu]IALFGVIANE

ClinVar aggregate classification (germline): Uncertain significance (1 of 4 stars; one submission).

Conditions:
Glucose-6-phosphate transport defect (GSD1B). Also called: Glycogen Storage Disease Type Ib; GSD Ib. Identifiers: Orphanet 364, Orphanet 79259, MedGen C0268146, MONDO:0009288, OMIM 232220.

Submission:

Labcorp Genetics (formerly Invitae), Labcorp
Classification: Uncertain significance for Glucose-6-phosphate transport defect. Last evaluated: 2025-12-30. Review status: criteria provided, single submitter. Criteria: Invitae Variant Classification Sherloc (09022015). Collection method: clinical testing. Allele origin: germline.
Comment: This sequence change replaces proline, which is neutral and non-polar, with leucine, which is neutral and non-polar, at codon 345 of the SLC37A4 protein (p.Pro345Leu). This variant is not present in population databases (gnomAD no frequency). This variant has not been reported in the literature in individuals affected with SLC37A4-related conditions. Invitae Evidence Modeling of protein sequence and biophysical properties (such as structural, functional, and spatial information, amino acid conservation, physicochemical variation, residue mobility, and thermodynamic stability) indicates that this missense variant is not expected to disrupt SLC37A4 protein function with a negative predictive value of 80%. In summary, the available evidence is currently insufficient to determine the role of this variant in disease. Therefore, it has been classified as a Variant of Uncertain Significance.